The following is an entry in ClinVar:

ClinVar aggregate classification (germline): Uncertain significance (1 of 4 stars; one submission).

Conditions:
Kabuki syndrome. Also called: NIIKAWA-KUROKI SYNDROME; Kabuki make-up syndrome. Identifiers: Orphanet 2322, MedGen C0796004, MONDO:0016512.

Submission:

Labcorp Genetics (formerly Invitae), Labcorp
Classification: Uncertain significance for Kabuki syndrome. Last evaluated: 2025-12-19. Review status: criteria provided, single submitter. Criteria: Invitae Variant Classification Sherloc (09022015). Collection method: clinical testing. Allele origin: germline.
Comment: This sequence change replaces glutamine, which is neutral and polar, with histidine, which is basic and polar, at codon 3732 of the KMT2D protein (p.Gln3732His). This variant is not present in population databases (gnomAD no frequency). This variant has not been reported in the literature in individuals affected with KMT2D-related conditions. Invitae Evidence Modeling of protein sequence and biophysical properties (such as structural, functional, and spatial information, amino acid conservation, physicochemical variation, residue mobility, and thermodynamic stability) indicates that this missense variant is not expected to disrupt KMT2D protein function with a negative predictive value of 95%. In summary, the available evidence is currently insufficient to determine the role of this variant in disease. Therefore, it has been classified as a Variant of Uncertain Significance.

NM_003482.4(KMT2D):c.11196G>C (p.Gln3732His)

Gene: KMT2D (lysine methyltransferase 2D; minus strand). Cytogenetic location: 12q13.12.
Variant type: single nucleotide variant.
Coding change: c.11196G>C on transcript NM_003482.4 (MANE Select); coding-DNA position 11196, G replaced by C.
Protein change: p.Gln3732His; replaces glutamine 3732 with histidine.
Molecular consequence: missense variant.
Genome position (GRCh38, 1-based): chr12:49,033,509, C>G on the plus strand (G>C on the coding strand, the complement: KMT2D is on the minus strand). VCF-style: chr12-49033509-C-G. GRCh37 (hg19) VCF-style: chr12-49427292-C-G.
Other names: short protein forms Q3732H.
Identifiers: ClinVar variation 4751180 (VCV004751180.1).